The following is an entry in ClinVar:

ClinVar aggregate classification (germline): Uncertain significance. Review status: criteria provided, multiple submitters, no conflicts (2 of 4 stars). 2 submissions from 2 submitters: Uncertain significance (2). Last evaluated 2023-09-15.

Conditions:
Joubert syndrome. Also called: JOUBERT-BOLTSHAUSER SYNDROME; Familial aplasia of the vermis. Identifiers: Orphanet 475, MedGen C5979921, MONDO:0018772.
Meckel-Gruber syndrome. Also called: DYSENCEPHALIA SPLANCHNOCYSTICA; GRUBER SYNDROME; Dysencephalia splachnocystica. Identifiers: Orphanet 564, MedGen C0265215, MONDO:0018921.

Allele frequency attached by ClinVar (database versions not stated): ExAC 0.00002; gnomAD 0.00002; TOPMed 0.00002.
gnomAD v4.1: 34 of 1,600,146 alleles (0.0021%); highest among the groups gnomAD compares: Admixed American, 0.0053%; no homozygotes.

Submissions (2):

Blueprint Genetics
Classification: Uncertain significance. Last evaluated: 2023-09-15. Review status: criteria provided, single submitter. Criteria: ACMG Guidelines, 2015. Collection method: clinical testing. Allele origin: germline.

Labcorp Genetics (formerly Invitae), Labcorp
Classification: Uncertain significance for Joubert syndrome; Meckel-Gruber syndrome. Last evaluated: 2022-08-21. Review status: criteria provided, single submitter. Criteria: Invitae Variant Classification Sherloc (09022015). Collection method: clinical testing. Allele origin: germline.
Comment: This sequence change replaces arginine, which is basic and polar, with cysteine, which is neutral and slightly polar, at codon 1100 of the CC2D2A protein (p.Arg1100Cys). The frequency data for this variant in the population databases is considered unreliable, as metrics indicate poor data quality at this position in the gnomAD database. This variant has not been reported in the literature in individuals affected with CC2D2A-related conditions. ClinVar contains an entry for this variant (Variation ID: 1446135). Advanced modeling of protein sequence and biophysical properties (such as structural, functional, and spatial information, amino acid conservation, physicochemical variation, residue mobility, and thermodynamic stability) performed at Invitae indicates that this missense variant is expected to disrupt CC2D2A protein function. Algorithms developed to predict the effect of sequence changes on RNA splicing suggest that this variant may create or strengthen a splice site. In summary, the available evidence is currently insufficient to determine the role of this variant in disease. Therefore, it has been classified as a Variant of Uncertain Significance.

NM_001378615.1(CC2D2A):c.3298C>T (p.Arg1100Cys)

Genes: CC2D2A (coiled-coil and C2 domain containing 2A; plus strand), FBXL5 (F-box and leucine rich repeat protein 5; minus strand). Cytogenetic location: 4p15.32.
Variant type: single nucleotide variant.
Coding change: c.3298C>T on transcript NM_001378615.1 (MANE Select); coding-DNA position 3298, C replaced by T.
Protein change: p.Arg1100Cys; replaces arginine 1100 with cysteine.
Molecular consequence: missense variant.
Genome position (GRCh38, 1-based): chr4:15,567,686, C>T. VCF-style: chr4-15567686-C-T. GRCh37 (hg19) VCF-style: chr4-15569309-C-T.
Other names: c.3298C>T, p.Arg1100Cys (NM_001080522.2); c.3151C>T, p.Arg1051Cys (NM_001378617.1); short protein forms R1051C, R1100C.
Identifiers: ClinVar variation 1446135 (VCV001446135.6), dbSNP rs767086890, ClinGen allele CA2864139.